The following is an entry in ClinVar:

ClinVar aggregate classification (germline): Benign/Likely benign. Review status: criteria provided, multiple submitters, no conflicts (2 of 4 stars). 3 submissions from 3 submitters: Benign (1); Likely benign (2). Last evaluated 2026-01-30.

Allele frequency attached by ClinVar (database versions not stated): 1000 Genomes Project 0.00819.
gnomAD v4.1: 5,636 of 974,422 alleles (0.58%); highest among the groups gnomAD compares: African/African-American, 1.8%; 31 homozygotes.

Submissions (3):

Women's Health and Genetics/Laboratory Corporation of America, LabCorp
Classification: Benign. Last evaluated: 2026-01-30. Review status: criteria provided, single submitter. Criteria: LabCorp Variant Classification Summary - May 2015. Collection method: clinical testing. Allele origin: germline.
Comment: Variant summary: RNU7-1 n.60C>T alters a nucleotide in the non-coding RNA. The variant allele was found at a frequency of 0.0092 in 31406 control chromosomes. The observed variant frequency exceeds the estimated maximal expected allele frequency for disease-causing variants in RNU7-1. To our knowledge, no occurrence of n.60C>T in individuals affected with RNU7-1-related conditions and no experimental evidence demonstrating its impact on protein function have been reported. ClinVar contains an entry for this variant (Variation ID: 1301145). Based on the evidence outlined above, the variant was classified as benign.

GeneDx
Classification: Likely benign. Last evaluated: 2021-04-02. Review status: criteria provided, single submitter. Criteria: GeneDx Variant Classification Process June 2021. Collection method: clinical testing. Allele origin: germline. Affected: yes.

Breakthrough Genomics
Classification: Likely benign. Review status: criteria provided, single submitter. Criteria: ACMG Guidelines, 2015. Collection method: not provided. Allele origin: germline. Inheritance: Autosomal recessive inheritance. Affected: yes.

NR_023317.1(RNU7-1):n.60C>T

Genes: C12orf57 (chromosome 12 open reading frame 57; plus strand), RNU7-1 (RNA, U7 small nuclear 1; plus strand). Cytogenetic location: 12p13.31.
Variant type: single nucleotide variant.
Molecular consequence: non-coding transcript variant (on NR_023317.1). On other transcripts: intron variant (2).
Genome position: GRCh38 VCF-style: chr12-6943875-C-T. GRCh37 (hg19) VCF-style: chr12-7053038-C-T.
Other names: c.13+213C>T (NM_001301836.2); c.-16+213C>T (NM_001301834.1).
Identifiers: ClinVar variation 1301145 (VCV001301145.6), dbSNP rs115355876, ClinGen allele CA232435436.